The following is an entry in ClinVar:

NM_078471.4(MYO18A):c.3939C>T (p.Asp1313=)

Gene: MYO18A (myosin XVIIIA; minus strand). Cytogenetic location: 17q11.2.
Variant type: single nucleotide variant.
Coding change: c.3939C>T on transcript NM_078471.4 (MANE Select); coding-DNA position 3939, C replaced by T.
Protein change: p.Asp1313=; no amino-acid change (aspartic acid 1313 retained).
Molecular consequence: synonymous variant.
Genome position (GRCh38, 1-based): chr17:29,098,156, G>A on the plus strand (C>T on the coding strand, the complement: MYO18A is on the minus strand). VCF-style: chr17-29098156-G-A. GRCh37 (hg19) VCF-style: chr17-27425174-G-A.
Other names: c.3996C>T, p.Asp1332= (NM_001346765.2); c.3975C>T, p.Asp1325= (NM_001346766.2); c.3939C>T, p.Asp1313= (NM_001346767.2, NM_203318.2); c.2565C>T, p.Asp855= (NM_001346768.2).
Identifiers: ClinVar variation 2647608 (VCV002647608.24), dbSNP rs200040962, ClinGen allele CA8472469.

ClinVar aggregate classification (germline): Likely benign (1 of 4 stars; one submission).

Allele frequency attached by ClinVar (database versions not stated): 1000 Genomes Project 30x 0.00016; 1000 Genomes Project 0.00020; ExAC 0.00032; gnomAD 0.00040; TOPMed 0.00040; ESP Exome Variant Server 0.00070.
gnomAD v4.1: 378 of 1,613,850 alleles (0.023%); highest among the groups gnomAD compares: African/African-American, 0.051%; 2 homozygotes.

Submission:

CeGaT Center for Human Genetics Tuebingen
Classification: Likely benign. Last evaluated: 2023-03-01. Review status: criteria provided, single submitter. Criteria: CeGaT Center For Human Genetics Tuebingen Variant Classification Criteria Version 2. Collection method: clinical testing. Allele origin: germline. Affected: yes. Observed: 2 variant alleles.
Comment: MYO18A: BP4, BP7